The following is an entry in ClinVar:

ClinVar aggregate classification (germline): Likely benign (1 of 4 stars; one submission).

Allele frequency attached by ClinVar (database versions not stated): TOPMed 0.00002; ExAC 0.00003; gnomAD 0.00003; gnomAD exomes 0.00003.
gnomAD v4.1: 40 of 1,201,025 alleles (0.0033%); highest among the groups gnomAD compares: Middle Eastern, 0.023%; no homozygotes.

Submission:

CeGaT Center for Human Genetics Tuebingen
Classification: Likely benign. Last evaluated: 2022-03-01. Review status: criteria provided, single submitter. Criteria: CeGaT Center For Human Genetics Tuebingen Variant Classification Criteria Version 2. Collection method: clinical testing. Allele origin: germline. Affected: yes. Observed: 1 variant allele.
Comment: DIAPH2: BP4

NM_006729.5(DIAPH2):c.587+8G>A

Gene: DIAPH2 (diaphanous related formin 2; plus strand). Cytogenetic location: Xq21.33.
Variant type: single nucleotide variant.
Coding change: c.587+8G>A on transcript NM_006729.5 (MANE Select); 8 bases into the intron after coding-DNA position 587, G replaced by A.
Molecular consequence: intron variant.
Genome position (GRCh38, 1-based): chrX:96,881,726, G>A. VCF-style: chrX-96881726-G-A. GRCh37 (hg19) VCF-style: chrX-96136725-G-A.
Other names: c.587+8G>A (NM_007309.4).
Identifiers: ClinVar variation 2661021 (VCV002661021.24), dbSNP rs771236215, ClinGen allele CA10467923.